The following is an entry in ClinVar:

NM_005633.4(SOS1):c.1385T>A (p.Phe462Tyr)

Gene: SOS1 (SOS Ras/Rac guanine nucleotide exchange factor 1; minus strand). Cytogenetic location: 2p22.1.
Variant type: single nucleotide variant.
Coding change: c.1385T>A on transcript NM_005633.4 (MANE Select); coding-DNA position 1385, T replaced by A.
Protein change: p.Phe462Tyr; replaces phenylalanine 462 with tyrosine.
Molecular consequence: missense variant.
Genome position (GRCh38, 1-based): chr2:39,023,043, A>T on the plus strand (T>A on the coding strand, the complement: SOS1 is on the minus strand). VCF-style: chr2-39023043-A-T. GRCh37 (hg19) VCF-style: chr2-39250184-A-T.
Other names: p.F462Y:TTT>TAT; c.1364T>A, p.Phe455Tyr (NM_001382394.1); c.1385T>A, p.Phe462Tyr (NM_001382395.1); short protein forms F462Y, F455Y.
Identifiers: ClinVar variation 40674 (VCV000040674.11), dbSNP rs730881043, ClinGen allele CA297267.

ClinVar aggregate classification (germline): Uncertain significance. Review status: criteria provided, multiple submitters, no conflicts (2 of 4 stars). 6 submissions from 5 submitters: Uncertain significance (6). Last evaluated 2025-08-13.

Conditions:
Cardiovascular phenotype. Identifiers: MedGen CN230736.
RASopathy. Also called: Noonan spectrum disorder; rasopathies. Identifiers: Orphanet 536391, MedGen C5555857, MONDO:0021060.
Fibromatosis, gingival, 1 (GINGF1). Identifiers: Orphanet 2024, MedGen C4551558, MONDO:0007609, OMIM 135300.
Noonan syndrome 4 (NS4). Also called: SOS1-Related Noonan Syndrome; NOONAN SYNDROME WITH PIGMENTED VILLONODULAR SYNOVITIS. Identifiers: Orphanet 648, MedGen C1853120, MONDO:0012547, OMIM 610733.

Allele frequency attached by ClinVar (database versions not stated): gnomAD exomes below 0.00001 and 0.00001; gnomAD 0.00001; TOPMed 0.00001.
gnomAD v4.1: 6 of 1,613,584 alleles (0.00037%); highest among the groups gnomAD compares: Admixed American, 0.005%; no homozygotes.

Submissions (6):

Labcorp Genetics (formerly Invitae), Labcorp
Classification: Uncertain significance for RASopathy. Last evaluated: 2025-08-13. Review status: criteria provided, single submitter. Criteria: Invitae Variant Classification Sherloc (09022015). Collection method: clinical testing. Allele origin: germline.
Comment: This sequence change replaces phenylalanine, which is neutral and non-polar, with tyrosine, which is neutral and polar, at codon 462 of the SOS1 protein (p.Phe462Tyr). This variant is present in population databases (rs730881043, gnomAD 0.003%). This variant has not been reported in the literature in individuals affected with SOS1-related conditions. ClinVar contains an entry for this variant (Variation ID: 40674). Invitae Evidence Modeling of protein sequence and biophysical properties (such as structural, functional, and spatial information, amino acid conservation, physicochemical variation, residue mobility, and thermodynamic stability) indicates that this missense variant is expected to disrupt SOS1 protein function with a positive predictive value of 80%. In summary, the available evidence is currently insufficient to determine the role of this variant in disease. Therefore, it has been classified as a Variant of Uncertain Significance.

Mendelics
Classification: Uncertain significance. Last evaluated: 2022-05-04. Review status: criteria provided, single submitter. Criteria: Mendelics Assertion Criteria 2019. Collection method: clinical testing. Allele origin: germline.

Ambry Genetics
Classification: Uncertain significance for Cardiovascular phenotype. Last evaluated: 2022-04-03. Review status: criteria provided, single submitter. Criteria: Ambry Variant Classification Scheme 2023. Collection method: clinical testing. Allele origin: germline.
Comment: The p.F462Y variant (also known as c.1385T>A), located in coding exon 10 of the SOS1 gene, results from a T to A substitution at nucleotide position 1385. The phenylalanine at codon 462 is replaced by tyrosine, an amino acid with highly similar properties. This amino acid position is conserved. In addition, this alteration is predicted to be deleterious by in silico analysis. Since supporting evidence is limited at this time, the clinical significance of this alteration remains unclear.

GeneDx
Classification: Uncertain significance. Last evaluated: 2020-03-23. Review status: criteria provided, single submitter. Criteria: GeneDx Variant Classification Process June 2021. Collection method: clinical testing. Allele origin: germline. Affected: yes.
Comment: Has not been previously published as pathogenic or benign to our knowledge; Missense variants in this gene are often considered pathogenic (Stenson et al., 2014); In silico analysis supports that this missense variant does not alter protein structure/function

Genome-Nilou Lab
Classification: Uncertain significance for Noonan syndrome 4. Review status: criteria provided, single submitter. Criteria: ACMG Guidelines, 2015. Collection method: clinical testing. Allele origin: germline.

Genome-Nilou Lab
Classification: Uncertain significance for Fibromatosis, gingival, 1. Review status: criteria provided, single submitter. Criteria: ACMG Guidelines, 2015. Collection method: clinical testing. Allele origin: germline.